The following is an entry in ClinVar:

NM_152618.3(BBS12):c.1573C>A (p.Arg525Ser)

Gene: BBS12 (Bardet-Biedl syndrome 12; plus strand). Cytogenetic location: 4q27.
Variant type: single nucleotide variant.
Coding change: c.1573C>A on transcript NM_152618.3 (MANE Select); coding-DNA position 1573, C replaced by A.
Protein change: p.Arg525Ser; replaces arginine 525 with serine.
Molecular consequence: missense variant.
Genome position (GRCh38, 1-based): chr4:122,743,465, C>A. VCF-style: chr4-122743465-C-A. GRCh37 (hg19) VCF-style: chr4-123664620-C-A.
Other names: c.1573C>A, p.Arg525Ser (NM_001178007.2); c.1573C>A (NM_152618.2); short protein forms R525S.
Identifiers: ClinVar variation 1356434 (VCV001356434.4), dbSNP rs760420127, ClinGen allele CA3069477.
Genomic context (GRCh38, chr4:122,743,465, plus strand): 5'-ACTAACCCAGTTACTGCACAGATGCAAATCAAAGAAGATAGGTTCTGGACATGTGCCTAT[C>A]GTTTGTATTATGCTCTAAAAGAGGAAAAGGTCTTCCTTGGAGGTGGTGCAGTTGAATTTT-3'
Protein context (NP_689831.2, residues 515-535): KEDRFWTCAY[Arg525Ser]LYYALKEEKV

ClinVar aggregate classification (germline): Uncertain significance. Review status: criteria provided, multiple submitters, no conflicts (2 of 4 stars). 2 submissions from 2 submitters: Uncertain significance (2). Last evaluated 2025-06-02.

Conditions:
BBS12-related disorder. Also called: BBS12-related condition.
Bardet-Biedl syndrome (BBS). Identifiers: Orphanet 110, MedGen C0752166, MONDO:0015229.

gnomAD v4.1: 8 of 1,614,158 alleles (0.0005%); highest among the groups gnomAD compares: South Asian, 0.0088%; no homozygotes.

Submissions (2):

PreventionGenetics, part of Exact Sciences
Classification: Uncertain significance for BBS12-related condition. Last evaluated: 2025-06-02. Review status: criteria provided, single submitter. Criteria: ACMG Guidelines, 2015. Collection method: clinical testing. Allele origin: germline.
Comment: The BBS12 c.1573C>A variant is predicted to result in the amino acid substitution p.Arg525Ser. To our knowledge, this variant has not been reported in the literature. This variant is reported in 0.0065% of alleles in individuals of South Asian descent in gnomAD. At this time, the clinical significance of this variant is uncertain due to the absence of conclusive functional and genetic evidence.

Labcorp Genetics (formerly Invitae), Labcorp
Classification: Uncertain significance for Bardet-Biedl syndrome. Last evaluated: 2022-10-13. Review status: criteria provided, single submitter. Criteria: Invitae Variant Classification Sherloc (09022015). Collection method: clinical testing. Allele origin: germline.
Comment: This sequence change replaces arginine, which is basic and polar, with serine, which is neutral and polar, at codon 525 of the BBS12 protein (p.Arg525Ser). This variant is present in population databases (rs760420127, gnomAD 0.006%). This variant has not been reported in the literature in individuals affected with BBS12-related conditions. ClinVar contains an entry for this variant (Variation ID: 1356434). Advanced modeling of protein sequence and biophysical properties (such as structural, functional, and spatial information, amino acid conservation, physicochemical variation, residue mobility, and thermodynamic stability) performed at Invitae indicates that this missense variant is expected to disrupt BBS12 protein function. This variant disrupts the p.Arg525 amino acid residue in BBS12. Other variant(s) that disrupt this residue have been determined to be pathogenic (PMID: 20472660, 30614526). This suggests that this residue is clinically significant, and that variants that disrupt this residue are likely to be disease-causing. In summary, the available evidence is currently insufficient to determine the role of this variant in disease. Therefore, it has been classified as a Variant of Uncertain Significance.

Literature cited by the submitters: PubMed 20472660 (cited by Labcorp Genetics (formerly Invitae), Labcorp); PubMed 30614526 (cited by Labcorp Genetics (formerly Invitae), Labcorp).